The following is an entry in ClinVar:

ClinVar aggregate classification (germline): Uncertain significance (1 of 4 stars; one submission).

Conditions:
Perlman syndrome (PRLMNS). Identifiers: Orphanet 2849, MedGen C0796113, MONDO:0009965, OMIM 267000.

Allele frequency attached by ClinVar (database versions not stated): gnomAD 0.00001.
gnomAD v4.1: 1 of 1,614,048 alleles (0.000062%); highest among the groups gnomAD compares: Non-Finnish European, 0.000085%; no homozygotes.

Submission:

Labcorp Genetics (formerly Invitae), Labcorp
Classification: Uncertain significance for Perlman syndrome. Last evaluated: 2021-09-29. Review status: criteria provided, single submitter. Criteria: Invitae Variant Classification Sherloc (09022015). Collection method: clinical testing. Allele origin: germline.
Comment: In summary, the available evidence is currently insufficient to determine the role of this variant in disease. Therefore, it has been classified as a Variant of Uncertain Significance. Algorithms developed to predict the effect of missense changes on protein structure and function output the following: SIFT: "Tolerated"; PolyPhen-2: "Benign"; Align-GVGD: "Class C0". The glycine amino acid residue is found in multiple mammalian species, which suggests that this missense change does not adversely affect protein function. This variant has not been reported in the literature in individuals affected with DIS3L2-related conditions. This variant is not present in population databases (ExAC no frequency). This sequence change replaces serine with glycine at codon 157 of the DIS3L2 protein (p.Ser157Gly). The serine residue is weakly conserved and there is a small physicochemical difference between serine and glycine.

NM_152383.5(DIS3L2):c.469A>G (p.Ser157Gly)

Gene: DIS3L2 (DIS3 like 3'-5' exoribonuclease 2; plus strand). Cytogenetic location: 2q37.1.
Variant type: single nucleotide variant.
Coding change: c.469A>G on transcript NM_152383.5 (MANE Select); coding-DNA position 469, A replaced by G.
Protein change: p.Ser157Gly; replaces serine 157 with glycine.
Molecular consequence: missense variant. On other transcripts: non-coding transcript variant (2).
Genome position (GRCh38, 1-based): chr2:232,087,589, A>G. VCF-style: chr2-232087589-A-G. GRCh37 (hg19) VCF-style: chr2-232952299-A-G.
Other names: c.469A>G, p.Ser157Gly (NM_001257281.2, NM_001257282.2); short protein forms S157G.
Identifiers: ClinVar variation 531934 (VCV000531934.6), dbSNP rs1553606121, ClinGen allele CA351155039.